The following is an entry in ClinVar:

ClinVar aggregate classification (germline): Uncertain significance. Review status: criteria provided, multiple submitters, no conflicts (2 of 4 stars). 3 submissions from 3 submitters: Uncertain significance (3). Last evaluated 2025-05-26.

Conditions:
Inborn genetic diseases. Identifiers: MedGen C0950123, MeSH D030342.

Allele frequency attached by ClinVar (database versions not stated): gnomAD exomes 0.00005; TOPMed below 0.00001; ExAC 0.00001.
gnomAD v4.1: 76 of 1,613,926 alleles (0.0047%); highest among the groups gnomAD compares: Non-Finnish European, 0.0063%; no homozygotes.

Submissions (3):

Labcorp Genetics (formerly Invitae), Labcorp
Classification: Uncertain significance. Last evaluated: 2025-05-26. Review status: criteria provided, single submitter. Criteria: Invitae Variant Classification Sherloc (09022015). Collection method: clinical testing. Allele origin: germline.
Comment: This sequence change replaces aspartic acid, which is acidic and polar, with asparagine, which is neutral and polar, at codon 1021 of the ANKRD26 protein (p.Asp1021Asn). This variant is present in population databases (rs776288413, gnomAD 0.004%). This variant has not been reported in the literature in individuals affected with ANKRD26-related conditions. ClinVar contains an entry for this variant (Variation ID: 2505583). An algorithm developed to predict the effect of missense changes on protein structure and function (PolyPhen-2) suggests that this variant is likely to be disruptive. In summary, the available evidence is currently insufficient to determine the role of this variant in disease. Therefore, it has been classified as a Variant of Uncertain Significance.

Ambry Genetics
Classification: Uncertain significance for Inborn genetic diseases. Last evaluated: 2025-01-20. Review status: criteria provided, single submitter. Criteria: Ambry Variant Classification Scheme 2023. Collection method: clinical testing. Allele origin: germline.
Comment: The p.D1021N variant (also known as c.3061G>A), located in coding exon 24 of the ANKRD26 gene, results from a G to A substitution at nucleotide position 3061. The aspartic acid at codon 1021 is replaced by asparagine, an amino acid with highly similar properties. This amino acid position is conserved. In addition, this alteration is predicted to be tolerated by in silico analysis. Based on the available evidence, the clinical significance of this variant remains unclear.

GeneDx
Classification: Uncertain significance. Last evaluated: 2023-06-22. Review status: criteria provided, single submitter. Criteria: GeneDx Variant Classification Process June 2021. Collection method: clinical testing. Allele origin: germline. Affected: yes.
Comment: Not observed at significant frequency in large population cohorts (gnomAD); In silico analysis supports that this missense variant has a deleterious effect on protein structure/function; Has not been previously published as pathogenic or benign to our knowledge

NM_014915.3(ANKRD26):c.3061G>A (p.Asp1021Asn)

Gene: ANKRD26 (ankyrin repeat domain 26; minus strand). Cytogenetic location: 10p12.1.
Variant type: single nucleotide variant.
Coding change: c.3061G>A on transcript NM_014915.3 (MANE Select); coding-DNA position 3061, G replaced by A.
Protein change: p.Asp1021Asn; replaces aspartic acid 1021 with asparagine.
Molecular consequence: missense variant.
Genome position (GRCh38, 1-based): chr10:27,035,389, C>T on the plus strand (G>A on the coding strand, the complement: ANKRD26 is on the minus strand). VCF-style: chr10-27035389-C-T. GRCh37 (hg19) VCF-style: chr10-27324318-C-T.
Other names: c.3058G>A, p.Asp1020Asn (NM_001256053.2); short protein forms D1020N, D1021N.
Identifiers: ClinVar variation 2505583 (VCV002505583.7), dbSNP rs776288413, ClinGen allele CA5448103.